The following is an entry in ClinVar:

ClinVar aggregate classification (germline): Uncertain significance (1 of 4 stars; one submission).

Conditions:
Intellectual disability, CASK-related, X-linked. Identifiers: MedGen CN043158.

Submission:

Labcorp Genetics (formerly Invitae), Labcorp
Classification: Uncertain significance for Intellectual disability, CASK-related, X-linked. Last evaluated: 2020-07-25. Review status: criteria provided, single submitter. Criteria: Invitae Variant Classification Sherloc (09022015). Collection method: clinical testing. Allele origin: germline.
Comment: In summary, the available evidence is currently insufficient to determine the role of this variant in disease. Therefore, it has been classified as a Variant of Uncertain Significance. Algorithms developed to predict the effect of missense changes on protein structure and function are either unavailable or do not agree on the potential impact of this missense change (SIFT: "Deleterious"; PolyPhen-2: "Benign"; Align-GVGD: "Class C25"). This variant has not been reported in the literature in individuals with CASK-related conditions. This variant is not present in population databases (ExAC no frequency). This sequence change replaces valine with leucine at codon 485 of the CASK protein (p.Val485Leu). The valine residue is highly conserved and there is a small physicochemical difference between valine and leucine.

NM_001367721.1(CASK):c.1453G>C (p.Val485Leu)

Gene: CASK (calcium/calmodulin dependent serine protein kinase; minus strand). Cytogenetic location: Xp11.4.
Variant type: single nucleotide variant.
Coding change: c.1453G>C on transcript NM_001367721.1 (MANE Select); coding-DNA position 1453, G replaced by C.
Protein change: p.Val485Leu; replaces valine 485 with leucine.
Molecular consequence: missense variant.
Genome position (GRCh38, 1-based): chrX:41,578,390, C>G on the plus strand (G>C on the coding strand, the complement: CASK is on the minus strand). VCF-style: chrX-41578390-C-G. GRCh37 (hg19) VCF-style: chrX-41437643-C-G.
Other names: c.1453G>C, p.Val485Leu (NM_001126054.3, NM_003688.4); c.1435G>C, p.Val479Leu (NM_001126055.3, NM_001410745.1); short protein forms V479L, V485L.
Identifiers: ClinVar variation 1017716 (VCV001017716.8), dbSNP rs2065514569, ClinGen allele CA412997420.